The following is an entry in ClinVar:

NM_001753.5(CAV1):c.437G>A (p.Arg146His)

Gene: CAV1 (caveolin 1; plus strand). Cytogenetic location: 7q31.2.
Variant type: single nucleotide variant.
Coding change: c.437G>A on transcript NM_001753.5 (MANE Select); coding-DNA position 437, G replaced by A.
Protein change: p.Arg146His; replaces arginine 146 with histidine.
Molecular consequence: missense variant.
Genome position (GRCh38, 1-based): chr7:116,559,187, G>A. VCF-style: chr7-116559187-G-A. GRCh37 (hg19) VCF-style: chr7-116199241-G-A.
Other names: c.344G>A, p.Arg115His (NM_001172895.1, NM_001172896.2, NM_001172897.2); short protein forms R146H, R115H.
Identifiers: ClinVar variation 1740146 (VCV001740146.3), dbSNP rs762818040, ClinGen allele CA4447885.

ClinVar aggregate classification (germline): Uncertain significance. Review status: criteria provided, multiple submitters, no conflicts (2 of 4 stars). 2 submissions from 2 submitters: Uncertain significance (2). Last evaluated 2026-02-17.

Conditions:
Inborn genetic diseases. Identifiers: MedGen C0950123, MeSH D030342.

gnomAD v4.1: 56 of 1,613,820 alleles (0.0035%); highest among the groups gnomAD compares: Admixed American, 0.012%; no homozygotes.

Submissions (2):

Women's Health and Genetics/Laboratory Corporation of America, LabCorp
Classification: Uncertain significance. Last evaluated: 2026-02-17. Review status: criteria provided, single submitter. Criteria: LabCorp Variant Classification Summary - May 2015. Collection method: clinical testing. Allele origin: germline.
Comment: Variant summary: CAV1 c.437G>A (p.Arg146His) results in a non-conservative amino acid change in the encoded protein sequence. Algorithms developed to predict the effect of missense changes on protein structure and function all suggest that this variant is likely to be disruptive. The variant allele was found at a frequency of 4.8e-05 in 250938 control chromosomes. This frequency is not significantly higher than estimated for disease-causing variants in CAV1, allowing no conclusion about variant significance. To our knowledge, no occurrence of c.437G>A in individuals affected with CAV1-related conditions and no experimental evidence demonstrating its impact on protein function have been reported. ClinVar contains an entry for this variant (Variation ID: 1740146). Based on the evidence outlined above, the variant was classified as uncertain significance.

Ambry Genetics
Classification: Uncertain significance for Inborn genetic diseases. Last evaluated: 2022-02-10. Review status: criteria provided, single submitter. Criteria: Ambry Variant Classification Scheme 2023. Collection method: clinical testing. Allele origin: germline.
Comment: The p.R146H variant (also known as c.437G>A), located in coding exon 3 of the CAV1 gene, results from a G to A substitution at nucleotide position 437. The arginine at codon 146 is replaced by histidine, an amino acid with highly similar properties. This amino acid position is conserved. In addition, this alteration is predicted to be deleterious by in silico analysis. Since supporting evidence is limited at this time, the clinical significance of this alteration remains unclear.